The following is an entry in ClinVar:

NM_001378615.1(CC2D2A):c.-87G>A

Genes: CC2D2A (coiled-coil and C2 domain containing 2A; plus strand), FBXL5 (F-box and leucine rich repeat protein 5; minus strand). Cytogenetic location: 4p15.32.
Variant type: single nucleotide variant.
Coding change: c.-87G>A on transcript NM_001378615.1 (MANE Select); 87 bases upstream of the start codon, G replaced by A.
Molecular consequence: 5 prime UTR variant.
Genome position (GRCh38, 1-based): chr4:15,469,989, G>A. VCF-style: chr4-15469989-G-A. GRCh37 (hg19) VCF-style: chr4-15471613-G-A.
Other names: c.-121G>A (NM_001080522.2, NM_020785.2); c.-87G>A (NM_001164720.3).
Identifiers: ClinVar variation 899750 (VCV000899750.4), dbSNP rs145443888, ClinGen allele CA92510808.
Genomic context (GRCh38, chr4:15,469,989, plus strand): 5'-AGCCCAGGGGCATCTCCAACACTCAGCCTTTCCCTCCGGACCCTTTTAAAAGATTCAACA[G>A]CACCGTCTCTCTCCACTTCCATCCTAGAATGCAGAATCTGCAAAGTGCCTTTTGTAAAGT-3'

ClinVar aggregate classification (germline): Conflicting classifications of pathogenicity. Review status: criteria provided, conflicting classifications (1 of 4 stars). 2 submissions from 1 submitter: Uncertain significance (1); Likely benign (1). Last evaluated 2018-01-13.

Conditions:
Meckel syndrome, type 6. Identifiers: Orphanet 564, MedGen C2676790, MONDO:0012848, OMIM 612284.
Joubert syndrome 9 (JBTS9). Identifiers: Orphanet 2318, MedGen C2676788, MONDO:0012849, OMIM 612285.

Allele frequency attached by ClinVar (database versions not stated): gnomAD 0.00286 and 0.00305; TOPMed 0.00315; 1000 Genomes Project 0.00459; 1000 Genomes Project 30x 0.00468.

Submissions (2):

Illumina Laboratory Services, Illumina
Classification: Likely benign for Joubert syndrome 9. Last evaluated: 2018-01-13. Review status: criteria provided, single submitter. Criteria: ICSL Variant Classification Criteria 13 December 2019. Collection method: clinical testing. Allele origin: germline.
Comment: This variant was observed in the ICSL laboratory as part of a predisposition screen in an ostensibly healthy population. It had not been previously curated by ICSL or reported in the Human Gene Mutation Database (HGMD: prior to June 1st, 2018), and was therefore a candidate for classification through an automated scoring system. Utilizing variant allele frequency, disease prevalence and penetrance estimates, and inheritance mode, an automated score was calculated to assess if this variant is too frequent to cause the disease. Based on the score and internal cut-off values, a variant classified as likely benign is not then subjected to further curation. The score for this variant resulted in a classification of likely benign for this disease.

Illumina Laboratory Services, Illumina
Classification: Uncertain significance for Meckel syndrome, type 6. Last evaluated: 2018-01-13. Review status: criteria provided, single submitter. Criteria: ICSL Variant Classification Criteria 13 December 2019. Collection method: clinical testing. Allele origin: germline.